The following is an entry in ClinVar:

ClinVar aggregate classification (germline): Uncertain significance (1 of 4 stars; one submission).

Conditions:
Myofibrillar myopathy 5. Also called: FILAMINOPATHY, AUTOSOMAL DOMINANT; Filaminopathy (type). Identifiers: Orphanet 171445, MedGen C1836050, MONDO:0012289, OMIM 609524.
Distal myopathy with posterior leg and anterior hand involvement. Also called: WILLIAMS DISTAL MYOPATHY. Identifiers: Orphanet 63273, MedGen C3279722, MONDO:0013550, OMIM 614065.
Hypertrophic cardiomyopathy 26. Also called: Cardiomyopathy, familial hypertrophic, 26. Identifiers: Orphanet 75249, MedGen C4310749, MONDO:0014883, OMIM 617047.

Submission:

Labcorp Genetics (formerly Invitae), Labcorp
Classification: Uncertain significance for Distal myopathy with posterior leg and anterior hand involvement; Myofibrillar myopathy 5; Hypertrophic cardiomyopathy 26. Last evaluated: 2024-02-14. Review status: criteria provided, single submitter. Criteria: Invitae Variant Classification Sherloc (09022015). Collection method: clinical testing. Allele origin: germline.
Comment: This sequence change replaces leucine, which is neutral and non-polar, with glutamine, which is neutral and polar, at codon 60 of the FLNC protein (p.Leu60Gln). This variant is not present in population databases (gnomAD no frequency). This variant has not been reported in the literature in individuals affected with FLNC-related conditions. ClinVar contains an entry for this variant (Variation ID: 952960). Advanced modeling of protein sequence and biophysical properties (such as structural, functional, and spatial information, amino acid conservation, physicochemical variation, residue mobility, and thermodynamic stability) has been performed at Invitae for this missense variant, however the output from this modeling did not meet the statistical confidence thresholds required to predict the impact of this variant on FLNC protein function. In summary, the available evidence is currently insufficient to determine the role of this variant in disease. Therefore, it has been classified as a Variant of Uncertain Significance.

NM_001458.5(FLNC):c.179T>A (p.Leu60Gln)

Gene: FLNC (filamin C; plus strand). Cytogenetic location: 7q32.1.
Variant type: single nucleotide variant.
Coding change: c.179T>A on transcript NM_001458.5 (MANE Select); coding-DNA position 179, T replaced by A.
Protein change: p.Leu60Gln; replaces leucine 60 with glutamine.
Molecular consequence: missense variant.
Genome position (GRCh38, 1-based): chr7:128,830,816, T>A. VCF-style: chr7-128830816-T-A. GRCh37 (hg19) VCF-style: chr7-128470870-T-A.
Other names: c.179T>A, p.Leu60Gln (NM_001127487.2); short protein forms L60Q.
Identifiers: ClinVar variation 952960 (VCV000952960.10), dbSNP rs1807855891, ClinGen allele CA369216220.